The following is an entry in ClinVar:

ClinVar aggregate classification (germline): Conflicting classifications of pathogenicity. Review status: criteria provided, conflicting classifications (1 of 4 stars). 2 submissions from 2 submitters: Uncertain significance (1); Likely benign (1). Last evaluated 2022-08-09.

Conditions:
Severe combined immunodeficiency due to DNA-PKcs deficiency. Also called: Immunodeficiency 26 with or without neurologic abnormalities; IMMUNODEFICIENCY 26 WITH NEUROLOGIC ABNORMALITIES. Identifiers: Orphanet 317425, MedGen C4014833, MONDO:0014423, OMIM 615966.

Allele frequency attached by ClinVar (database versions not stated): gnomAD exomes below 0.00001; TOPMed below 0.00001.
gnomAD v4.1: 3 of 1,613,696 alleles (0.00019%); highest among the groups gnomAD compares: East Asian, 0.0022%; no homozygotes.

Submissions (2):

Labcorp Genetics (formerly Invitae), Labcorp
Classification: Uncertain significance for Severe combined immunodeficiency due to DNA-PKcs deficiency. Last evaluated: 2022-08-09. Review status: criteria provided, single submitter. Criteria: Invitae Variant Classification Sherloc (09022015). Collection method: clinical testing. Allele origin: germline.
Comment: In summary, the available evidence is currently insufficient to determine the role of this variant in disease. Therefore, it has been classified as a Variant of Uncertain Significance. This variant has not been reported in the literature in individuals affected with PRKDC-related conditions. The frequency data for this variant in the population databases is considered unreliable, as metrics indicate poor data quality at this position in the gnomAD database. This sequence change replaces arginine, which is basic and polar, with glutamine, which is neutral and polar, at codon 3474 of the PRKDC protein (p.Arg3474Gln). ClinVar contains an entry for this variant (Variation ID: 940252). Algorithms developed to predict the effect of missense changes on protein structure and function output the following: SIFT: "Not Available"; PolyPhen-2: "Not Available"; Align-GVGD: "Not Available". The glutamine amino acid residue is found in multiple mammalian species, which suggests that this missense change does not adversely affect protein function.

Ambry Genetics
Classification: Likely benign. Last evaluated: 2021-12-30. Review status: criteria provided, single submitter. Criteria: Ambry Variant Classification Scheme 2023. Collection method: clinical testing. Allele origin: germline.

NM_006904.7(PRKDC):c.10421G>A (p.Arg3474Gln)

Gene: PRKDC (protein kinase, DNA-activated, catalytic subunit; minus strand). Cytogenetic location: 8q11.21.
Variant type: single nucleotide variant.
Coding change: c.10421G>A on transcript NM_006904.7 (MANE Select); coding-DNA position 10421, G replaced by A.
Protein change: p.Arg3474Gln; replaces arginine 3474 with glutamine.
Molecular consequence: missense variant.
Genome position (GRCh38, 1-based): chr8:47,798,274, C>T on the plus strand (G>A on the coding strand, the complement: PRKDC is on the minus strand). VCF-style: chr8-47798274-C-T. GRCh37 (hg19) VCF-style: chr8-48710835-C-T.
Other names: c.10421G>A, p.Arg3474Gln (NM_001081640.2); short protein forms R3474Q.
Identifiers: ClinVar variation 940252 (VCV000940252.8), dbSNP rs761784130, ClinGen allele CA371134841.